The following is an entry in ClinVar:

ClinVar aggregate classification (germline): Uncertain significance (1 of 4 stars; one submission).

Conditions:
Chédiak-Higashi syndrome (CHS). Also called: Chediak-Higashi Syndrome. Identifiers: Orphanet 167, MedGen C0007965, MONDO:0008963, OMIM 214500.

Allele frequency attached by ClinVar (database versions not stated): gnomAD exomes below 0.00001.
gnomAD v4.1: 1 of 1,613,962 alleles (0.000062%); highest among the groups gnomAD compares: Admixed American, 0.0017%; no homozygotes.

Submission:

Labcorp Genetics (formerly Invitae), Labcorp
Classification: Uncertain significance for Chédiak-Higashi syndrome. Last evaluated: 2022-08-09. Review status: criteria provided, single submitter. Criteria: Invitae Variant Classification Sherloc (09022015). Collection method: clinical testing. Allele origin: germline.
Comment: This variant is not present in population databases (gnomAD no frequency). This sequence change replaces valine, which is neutral and non-polar, with leucine, which is neutral and non-polar, at codon 700 of the LYST protein (p.Val700Leu). This variant has not been reported in the literature in individuals affected with LYST-related conditions. In summary, the available evidence is currently insufficient to determine the role of this variant in disease. Therefore, it has been classified as a Variant of Uncertain Significance. Algorithms developed to predict the effect of missense changes on protein structure and function (SIFT, PolyPhen-2, Align-GVGD) all suggest that this variant is likely to be tolerated.

NM_000081.4(LYST):c.2098G>C (p.Val700Leu)

Gene: LYST (lysosomal trafficking regulator; minus strand). Cytogenetic location: 1q42.3.
Variant type: single nucleotide variant.
Coding change: c.2098G>C on transcript NM_000081.4 (MANE Select); coding-DNA position 2098, G replaced by C.
Protein change: p.Val700Leu; replaces valine 700 with leucine.
Molecular consequence: missense variant.
Genome position (GRCh38, 1-based): chr1:235,808,720, C>G on the plus strand (G>C on the coding strand, the complement: LYST is on the minus strand). VCF-style: chr1-235808720-C-G. GRCh37 (hg19) VCF-style: chr1-235972020-C-G.
Other names: c.2098G>C, p.Val700Leu (NM_001301365.1); short protein forms V700L.
Identifiers: ClinVar variation 2103802 (VCV002103802.4), dbSNP rs2527105535, ClinGen allele CA344959266.